The following is an entry in ClinVar:

ClinVar aggregate classification (germline): Benign/Likely benign. Review status: criteria provided, multiple submitters, no conflicts (2 of 4 stars). 6 submissions from 6 submitters: Benign (2); Likely benign (3). 1 of the submissions does not count toward it. Last evaluated 2026-03-01.

Conditions:
SLC1A3-related disorder. Also called: SLC1A3-related condition.
Episodic ataxia type 6. Identifiers: Orphanet 209967, MedGen C2675211, MONDO:0012982, OMIM 612656.

Allele frequency attached by ClinVar (database versions not stated): ESP Exome Variant Server 0.00015; gnomAD 0.00016; TOPMed 0.00016; ExAC 0.00020; gnomAD exomes 0.00024.
gnomAD v4.1: 381 of 1,613,914 alleles (0.024%); highest among the groups gnomAD compares: South Asian, 0.06%; 1 homozygote.

Submissions (6):

CeGaT Center for Human Genetics Tuebingen
Classification: Likely benign. Last evaluated: 2026-03-01. Review status: criteria provided, single submitter. Criteria: CeGaT Center For Human Genetics Tuebingen Variant Classification Criteria Version 2. Collection method: clinical testing. Allele origin: germline. Affected: yes. Observed: 3 variant alleles.
Comment: SLC1A3: BP4, BS2

Labcorp Genetics (formerly Invitae), Labcorp
Classification: Likely benign. Last evaluated: 2026-01-14. Review status: criteria provided, single submitter. Criteria: Invitae Variant Classification Sherloc (09022015). Collection method: clinical testing. Allele origin: germline.

Blueprint Genetics
Classification: Likely benign. Last evaluated: 2024-01-29. Review status: criteria provided, single submitter. Criteria: ACMG Guidelines, 2015. Collection method: clinical testing. Allele origin: germline.

Athena Diagnostics
Classification: Benign. Last evaluated: 2023-12-20. Review status: criteria provided, single submitter. Criteria: Athena Diagnostics Criteria. Collection method: clinical testing. Allele origin: unknown.

Illumina Laboratory Services, Illumina
Classification: Benign for Episodic ataxia type 6. Last evaluated: 2018-01-12. Review status: criteria provided, single submitter. Criteria: ICSL Variant Classification Criteria 13 December 2019. Collection method: clinical testing. Allele origin: germline.
Comment: This variant was observed in the ICSL laboratory as part of a predisposition screen in an ostensibly healthy population. It had not been previously curated by ICSL or reported in the Human Gene Mutation Database (HGMD: prior to June 1st, 2018), and was therefore a candidate for classification through an automated scoring system. Utilizing variant allele frequency, disease prevalence and penetrance estimates, and inheritance mode, an automated score was calculated to assess if this variant is too frequent to cause the disease. Based on the score and internal cut-off values, a variant classified as benign is not then subjected to further curation. The score for this variant resulted in a classification of benign for this disease.

PreventionGenetics, part of Exact Sciences
Classification: Likely benign for SLC1A3-related condition. Last evaluated: 2023-01-18. Review status: no assertion criteria provided. Collection method: clinical testing. Allele origin: germline. Not counted in ClinVar's aggregate classification.
Comment: This variant is classified as likely benign based on ACMG/AMP sequence variant interpretation guidelines (Richards et al. 2015 PMID: 25741868, with internal and published modifications).

NM_004172.5(SLC1A3):c.676C>G (p.Arg226Gly)

Genes: SLC1A3 (solute carrier family 1 member 3; plus strand), SLC1A3-AS1 (SLC1A3 antisense RNA 1; minus strand). Cytogenetic location: 5p13.2.
Variant type: single nucleotide variant.
Coding change: c.676C>G on transcript NM_004172.5 (MANE Select); coding-DNA position 676, C replaced by G.
Protein change: p.Arg226Gly; replaces arginine 226 with glycine.
Molecular consequence: missense variant. On other transcripts: intron variant (1).
Genome position (GRCh38, 1-based): chr5:36,677,000, C>G. VCF-style: chr5-36677000-C-G. GRCh37 (hg19) VCF-style: chr5-36677102-C-G.
Other names: c.676C>G, p.Arg226Gly (NM_001166695.3); c.538C>G, p.Arg180Gly (NM_001289939.2); c.525-2627C>G (NM_001289940.2); short protein forms R226G, R180G.
Identifiers: ClinVar variation 353314 (VCV000353314.39), dbSNP rs201069745, ClinGen allele CA3235521.